The following is an entry in ClinVar:

NM_170707.4(LMNA):c.586_596del (p.Arg196fs)

Gene: LMNA (lamin A/C; plus strand). Cytogenetic location: 1q22.
Variant type: Deletion.
Coding change: c.586_596del on transcript NM_170707.4 (MANE Select); coding-DNA positions 586 to 596, 11 bases deleted (AGGCTGCAGAC).
Protein change: p.Arg196fs; shifts the reading frame from arginine 196.
Molecular consequence: frameshift variant.
Genome position (GRCh38, 1-based): chr1:156,134,475-156,134,485, AGGCTGCAGAC deleted; deleting any 11 consecutive bases within chr1:156,134,473-156,134,485 gives the same sequence; the c. name uses the placement nearest the transcript's 3' end. VCF-style (leftmost placement, unchanged base first): chr1-156134472-AACAGGCTGCAG-A. GRCh37 (hg19) VCF-style: chr1-156104263-AACAGGCTGCAG-A.
Other names: c.250_260del, p.Arg84fs (NM_001257374.3); c.343_353del, p.Arg115fs (NM_001282624.2); c.586_596del, p.Arg196fs (NM_001282625.2, NM_001282626.2, NM_005572.4 and 1 more transcripts); short protein forms R196fs, R84fs, R115fs.
Identifiers: ClinVar variation 200958 (VCV000200958.1), dbSNP rs794728607, ClinGen allele CA018281.

ClinVar aggregate classification (germline): Pathogenic (1 of 4 stars; one submission).

Submission:

GeneDx
Classification: Pathogenic. Last evaluated: 2014-03-13. Review status: criteria provided, single submitter. Criteria: GeneDx Variant Classification (06012015). Collection method: clinical testing. Allele origin: germline. Affected: yes.
Comment: c.586_596delAGGCTGCAGAC: p.Arg196HisfsX14 (R196HfsX14) in exon 3 of the LMNA gene (NM_170707.2). The normal sequence with the bases that are deleted in braces is: GAAC{AGGCTGCAGAC}CATG. Although the c.586_596delAGGCTGCAGAC mutation in the LMNA gene has not been reported to our knowledge, this mutation causes a shift in reading frame starting at codon Arginine 196, changing it to a Histidine, and creating a premature stop codon at position 14 of the new reading frame, denoted p.Arg196HisfsX14. This mutation is expected to result in either an abnormal, truncated protein product or loss of protein from this allele through nonsense-mediated mRNA decay. Other frameshift mutations in the LMNA gene have been reported in association with cardiomyopathy. In summary, c.586_596delAGGCTGCAGAC in the LMNA gene is interpreted as a disease-causing mutation. The variant is found in CARDIOMYOPATHY panel(s).